The following is an entry in ClinVar:

NM_001846.4(COL4A2):c.3742G>C (p.Gly1248Arg)

Gene: COL4A2 (collagen type IV alpha 2 chain; plus strand). Cytogenetic location: 13q34.
Variant type: single nucleotide variant.
Coding change: c.3742G>C on transcript NM_001846.4 (MANE Select); coding-DNA position 3742, G replaced by C.
Protein change: p.Gly1248Arg; replaces glycine 1248 with arginine.
Molecular consequence: missense variant.
Genome position (GRCh38, 1-based): chr13:110,495,449, G>C. VCF-style: chr13-110495449-G-C. GRCh37 (hg19) VCF-style: chr13-111147796-G-C.
Other names: short protein forms G1248R.
Identifiers: ClinVar variation 4855026 (VCV004855026.1).

ClinVar aggregate classification (germline): Uncertain significance (1 of 4 stars; one submission).

Conditions:
Brain small vessel disease 2A, autosomal dominant. Also called: Porencephaly 2. Identifiers: Orphanet 2940, Orphanet 99810, MedGen C3280970, MONDO:0013773, OMIM 614483.

Submission:

3billion
Classification: Uncertain significance for Brain small vessel disease 2A, autosomal dominant. Last evaluated: 2025-09-03. Review status: criteria provided, single submitter. Criteria: ACMG Guidelines, 2015. Collection method: clinical testing. Allele origin: germline. Affected: yes.
Comment: The variant is not observed in the gnomAD v4.1.0 dataset. Predicted Consequence/Location: Missense variant In silico tool predictions suggest damaging effect of the variant on gene or gene product [REVEL: 0.97 (>=0.6, sensitivity 0.68 and specificity 0.92); 3Cnet: 0.90 (> 0.75, sensitivity 0.96 and precision 0.92)]. Therefore, this variant is classified as VUS according to the recommendation of ACMG/AMP guideline.